The following is an entry in ClinVar:

NM_015295.3(SMCHD1):c.424C>T (p.Pro142Ser)

Gene: SMCHD1 (structural maintenance of chromosomes flexible hinge domain containing 1; plus strand). Cytogenetic location: 18p11.32.
Variant type: single nucleotide variant.
Coding change: c.424C>T on transcript NM_015295.3 (MANE Select); coding-DNA position 424, C replaced by T.
Protein change: p.Pro142Ser; replaces proline 142 with serine.
Molecular consequence: missense variant.
Genome position (GRCh38, 1-based): chr18:2,667,031, C>T. VCF-style: chr18-2667031-C-T. GRCh37 (hg19) VCF-style: chr18-2667030-C-T.
Other names: short protein forms P142S.
Identifiers: ClinVar variation 1392920 (VCV001392920.8), dbSNP rs780855590, ClinGen allele CA8870539.

ClinVar aggregate classification (germline): Uncertain significance (1 of 4 stars; one submission).

Conditions:
Facioscapulohumeral muscular dystrophy 2 (FSHD2). Also called: MUSCULAR DYSTROPHY, FACIOSCAPULOHUMERAL, TYPE 1B; FACIOSCAPULOHUMERAL MUSCULAR DYSTROPHY 2, DIGENIC; FSHD2, DIGENIC. Identifiers: Orphanet 269, MedGen C1834671, MONDO:0008031, OMIM 158901.

Allele frequency attached by ClinVar (database versions not stated): gnomAD 0.00001; gnomAD exomes 0.00001; TOPMed 0.00001; ExAC 0.00005.
gnomAD v4.1: 11 of 1,566,290 alleles (0.0007%); highest among the groups gnomAD compares: Admixed American, 0.0038%; no homozygotes.

Submission:

Labcorp Genetics (formerly Invitae), Labcorp
Classification: Uncertain significance for Facioscapulohumeral muscular dystrophy 2. Last evaluated: 2021-08-15. Review status: criteria provided, single submitter. Criteria: Invitae Variant Classification Sherloc (09022015). Collection method: clinical testing. Allele origin: germline.
Comment: In summary, the available evidence is currently insufficient to determine the role of this variant in disease. Therefore, it has been classified as a Variant of Uncertain Significance. Algorithms developed to predict the effect of sequence changes on RNA splicing suggest that this variant may disrupt the consensus splice site, but this prediction has not been confirmed by published transcriptional studies. Algorithms developed to predict the effect of missense changes on protein structure and function (SIFT, PolyPhen-2, Align-GVGD) all suggest that this variant is likely to be disruptive, but these predictions have not been confirmed by published functional studies and their clinical significance is uncertain. This variant has not been reported in the literature in individuals with SMCHD1-related conditions. This variant is present in population databases (rs780855590, ExAC 0.01%). This sequence change replaces proline with serine at codon 142 of the SMCHD1 protein (p.Pro142Ser). The proline residue is highly conserved and there is a moderate physicochemical difference between proline and serine.